The following is an entry in ClinVar:

NM_007046.4(EMILIN1):c.2387C>T (p.Ser796Phe)

Gene: EMILIN1 (elastin microfibril interfacer 1; plus strand). Cytogenetic location: 2p23.3.
Variant type: single nucleotide variant.
Coding change: c.2387C>T on transcript NM_007046.4 (MANE Select); coding-DNA position 2387, C replaced by T.
Protein change: p.Ser796Phe; replaces serine 796 with phenylalanine.
Molecular consequence: missense variant.
Genome position (GRCh38, 1-based): chr2:27,083,958, C>T. VCF-style: chr2-27083958-C-T. GRCh37 (hg19) VCF-style: chr2-27306826-C-T.
Other names: short protein forms S796F.
Identifiers: ClinVar variation 3905991 (VCV003905991.10).

ClinVar aggregate classification (germline): Uncertain significance (1 of 4 stars; one submission).

Submission:

CeGaT Center for Human Genetics Tuebingen
Classification: Uncertain significance. Last evaluated: 2025-06-01. Review status: criteria provided, single submitter. Criteria: CeGaT Center For Human Genetics Tuebingen Variant Classification Criteria Version 2. Collection method: clinical testing. Allele origin: germline. Affected: yes. Observed: 1 variant allele.
Comment: EMILIN1: PM2:Supporting